The following is an entry in ClinVar:

NM_000059.4(BRCA2):c.4987_4990del (p.Val1663fs)

Gene: BRCA2 (BRCA2 DNA repair associated; plus strand). Cytogenetic location: 13q13.1.
Variant type: Deletion.
Coding change: c.4987_4990del on transcript NM_000059.4 (MANE Select); coding-DNA positions 4987 to 4990, 4 bases deleted (GTCA; older notation c.4987_4990delGTCA).
Protein change: p.Val1663fs; shifts the reading frame from valine 1663.
Molecular consequence: frameshift variant.
Genome position (GRCh38, 1-based): chr13:32,339,342-32,339,345, GTCA deleted; deleting any 4 consecutive bases within chr13:32,339,339-32,339,345 gives the same sequence; the c. name uses the placement nearest the transcript's 3' end. VCF-style (leftmost placement, unchanged base first): chr13-32339338-TTCAG-T. GRCh37 (hg19) VCF-style: chr13-32913475-TTCAG-T.
Other names: c.4987_4990delGTCA (NM_000059.3); short protein forms V1663fs.
Identifiers: ClinVar variation 51752 (VCV000051752.21), dbSNP rs397507753, ClinGen allele CA021107.

ClinVar aggregate classification (germline): Pathogenic. Review status: reviewed by expert panel (3 of 4 stars). 8 submissions from 8 submitters: Pathogenic (1). 7 of the submissions do not count toward it. Last evaluated 2016-09-08.

Conditions:
BRCA2-related disorder. Also called: BRCA2-related condition; BRCA2-related disorders. Identifiers: MedGen CN239275.
Hereditary cancer-predisposing syndrome. Also called: Tumor predisposition; Neoplastic Syndromes, Hereditary; Hereditary neoplastic syndrome; Hereditary Cancer Syndrome. Identifiers: Orphanet 140162, MedGen C0027672, MeSH D009386, MONDO:0015356.
Hereditary breast ovarian cancer syndrome. Also called: Hereditary breast and ovarian cancer; BRCA1- and BRCA2-Associated Hereditary Breast and Ovarian Cancer; Hereditary breast and/or ovarian cancer syndrome; Hereditary breast and ovarian cancer syndrome; Breast and ovarian cancer; Hereditary breast and ovarian cancer syndrome (HBOC). Identifiers: Orphanet 145, MedGen C0677776, MeSH D061325, MONDO:0003582. Disease mechanism: loss of function.
Breast-ovarian cancer, familial, susceptibility to, 2 (BROVCA2). Also called: BRCA2 Hereditary Breast and Ovarian Cancer. Identifiers: Orphanet 145, MedGen C2675520, MONDO:0012933, OMIM 612555. Disease mechanism: loss of function.
Familial cancer of breast. Also called: BREAST CANCER, FAMILIAL; hereditary breast carcinoma; Hereditary breast cancer. Identifiers: Orphanet 227535, MedGen C0346153, MONDO:0016419, OMIM 114480. Disease mechanism: loss of function.

Submissions (8):

Evidence-based Network for the Interpretation of Germline Mutant Alleles (ENIGMA)
Classification: Pathogenic for Breast-ovarian cancer, familial, susceptibility to, 2. Last evaluated: 2016-09-08. Review status: reviewed by expert panel. Criteria: ENIGMA BRCA1/2 Classification Criteria (2015). Collection method: curation. Allele origin: germline.
Comment: Variant allele predicted to encode a truncated non-functional protein.

GeneKor MSA
Classification: Pathogenic for Hereditary breast ovarian cancer syndrome. Last evaluated: 2025-05-15. Review status: criteria provided, single submitter. Criteria: ACMG Guidelines, 2015. Collection method: clinical testing. Allele origin: germline. Affected: no. Not counted in ClinVar's aggregate classification.
Comment: This variant is a deletion of 4 nucleotides in exon 11 of the BRCA2 mRNA c.(4987_4990delGTCA), causing a frameshift after codon 1663 and the creation of a premature translation stop signal 6 amino acid residues later p.(Val1663Leufs*6). This is expected to result in an absent or disrupted protein product. Truncating variants in the BRCA2 gene are known to be pathogenic (PMID:20104584). This variant is not present in population databases (rs431825323), therefore it has been observed in individuals with clinical features of BRCA2-related conditions (PMID:21520333). ClinVar contains entries for this variant where is listed as pathogenic (VCV000096811.20). Based on the classification criteria set by the ACMG and AMP (PMID:25741868), this variant has been classified as pathogenic.

GeneDx
Classification: Pathogenic. Last evaluated: 2025-04-04. Review status: criteria provided, single submitter. Criteria: GeneDx Variant Classification Process June 2021. Collection method: clinical testing. Allele origin: germline. Affected: yes. Not counted in ClinVar's aggregate classification.
Comment: Frameshift variant predicted to result in protein truncation or nonsense mediated decay in a gene for which loss of function is a known mechanism of disease; Not observed at significant frequency in large population cohorts (gnomAD); Truncating variants in this gene are considered pathogenic by a well-established clinical consortium and/or database; Also known as 5215_5218del, 5215delGTCA; This variant is associated with the following publications: (PMID: 11710890, 23635950)

Blueprint Genetics
Classification: Likely pathogenic for BRCA2-related disorders. Last evaluated: 2023-04-18. Review status: criteria provided, single submitter. Criteria: ACMG Guidelines, 2015. Collection method: clinical testing. Allele origin: germline. Affected: yes. Observed: 1 variant allele. Not counted in ClinVar's aggregate classification.

Labcorp Genetics (formerly Invitae), Labcorp
Classification: Pathogenic for Hereditary breast ovarian cancer syndrome. Last evaluated: 2022-02-18. Review status: criteria provided, single submitter. Criteria: Invitae Variant Classification Sherloc (09022015). Collection method: clinical testing. Allele origin: germline. Not counted in ClinVar's aggregate classification.
Comment: For these reasons, this variant has been classified as Pathogenic. ClinVar contains an entry for this variant (Variation ID: 51752). This variant is also known as 5215delGTCA. This premature translational stop signal has been observed in individual(s) with personal and/or family history of breast cancer (PMID: 11710890, 23635950). This variant is not present in population databases (gnomAD no frequency). This sequence change creates a premature translational stop signal (p.Val1663Leufs*6) in the BRCA2 gene. It is expected to result in an absent or disrupted protein product. Loss-of-function variants in BRCA2 are known to be pathogenic (PMID: 20104584).

Baylor Genetics
Classification: Pathogenic for Familial cancer of breast. Last evaluated: 2021-08-09. Review status: criteria provided, single submitter. Criteria: ACMG Guidelines, 2015. Collection method: clinical testing. Allele origin: unknown. Not counted in ClinVar's aggregate classification.

Color Diagnostics, LLC DBA Color Health
Classification: Pathogenic for Hereditary cancer-predisposing syndrome. Last evaluated: 2020-01-15. Review status: criteria provided, single submitter. Criteria: ACMG Guidelines, 2015. Collection method: clinical testing. Allele origin: germline. Not counted in ClinVar's aggregate classification.
Comment: This variant deletes 4 nucleotides in exon 11 of the BRCA2 gene, creating a frameshift and premature translation stop signal. This variant is expected to result in an absent or non-functional protein product. This variant has not been identified in the general population by the Genome Aggregation Database (gnomAD). Loss of BRCA2 function is a known mechanism of disease. Based on the available evidence, this variant is classified as Pathogenic.

Department of Pathology and Laboratory Medicine, Sinai Health System
Classification: Uncertain significance. Review status: no assertion criteria provided. Collection method: clinical testing. Allele origin: unknown. Affected: yes. Observed: 1 variant allele. Study: The Canadian Open Genetics Repository (COGR). Not counted in ClinVar's aggregate classification.

Literature cited by the submitters: PubMed 20104584 (cited by GeneKor MSA and Labcorp Genetics (formerly Invitae), Labcorp); PubMed 21520333 (cited by GeneKor MSA); PubMed 11710890 (cited by Labcorp Genetics (formerly Invitae), Labcorp); PubMed 23635950 (cited by Labcorp Genetics (formerly Invitae), Labcorp).